The following is an entry in ClinVar:

ClinVar aggregate classification (germline): Uncertain significance (1 of 4 stars; one submission).

Conditions:
Hereditary cancer-predisposing syndrome. Also called: Neoplastic Syndromes, Hereditary; Tumor predisposition; Hereditary neoplastic syndrome; Hereditary Cancer Syndrome. Identifiers: Orphanet 140162, MedGen C0027672, MeSH D009386, MONDO:0015356.

Submission:

Ambry Genetics
Classification: Uncertain significance for Hereditary cancer-predisposing syndrome. Last evaluated: 2024-01-06. Review status: criteria provided, single submitter. Criteria: Ambry Variant Classification Scheme 2023. Collection method: clinical testing. Allele origin: germline.
Comment: The p.Q631R variant (also known as c.1892A>G), located in coding exon 11 of the PMS2 gene, results from an A to G substitution at nucleotide position 1892. The glutamine at codon 631 is replaced by arginine, an amino acid with highly similar properties. This amino acid position is conserved. In addition, this alteration is predicted to be tolerated by in silico analysis. Since supporting evidence is limited at this time, the clinical significance of this alteration remains unclear.

NM_000535.7(PMS2):c.1892A>G (p.Gln631Arg)

Gene: PMS2 (PMS1 homolog 2, mismatch repair system component; minus strand). Cytogenetic location: 7p22.1.
Variant type: single nucleotide variant.
Coding change: c.1892A>G on transcript NM_000535.7 (MANE Select); coding-DNA position 1892, A replaced by G.
Protein change: p.Gln631Arg; replaces glutamine 631 with arginine.
Molecular consequence: missense variant. On other transcripts: non-coding transcript variant (1), intron variant (1).
Genome position (GRCh38, 1-based): chr7:5,986,873, T>C on the plus strand (A>G on the coding strand, the complement: PMS2 is on the minus strand). VCF-style: chr7-5986873-T-C. GRCh37 (hg19) VCF-style: chr7-6026504-T-C.
Other names: c.1487A>G, p.Gln496Arg (NM_001018040.1, NM_001322003.2, NM_001322004.2 and 17 more transcripts); c.1736A>G, p.Gln579Arg (NM_001322006.2, NM_001406870.1); c.1574A>G, p.Gln525Arg (NM_001322007.2, NM_001322008.2, NM_001406876.1 and 2 more transcripts); c.1331A>G, p.Gln444Arg (NM_001322010.2, NM_001406906.1, NM_001406907.1); c.959A>G, p.Gln320Arg (NM_001322011.2, NM_001322012.2); c.1319A>G, p.Gln440Arg (NM_001322013.2, NM_001406909.1); c.1892A>G, p.Gln631Arg (NM_001322014.2, NM_001406871.1, NM_001406872.1); c.1583A>G, p.Gln528Arg (NM_001322015.2, NM_001406875.1, NM_001406877.1 and 5 more transcripts); and 13 more; short protein forms Q320R, Q374R, Q440R, Q444R, Q460R, Q473R, Q476R, Q496R.
Identifiers: ClinVar variation 3231991 (VCV003231991.1), dbSNP rs2535717422, ClinGen allele CA366739395.